The following is an entry in ClinVar:

ClinVar aggregate classification (germline): Uncertain significance (1 of 4 stars; one submission).

Conditions:
Aicardi-Goutieres syndrome 5. Identifiers: Orphanet 51, MedGen C2749659, MONDO:0013059, OMIM 612952.

gnomAD v4.1: 9 of 1,614,170 alleles (0.00056%); highest among the groups gnomAD compares: Non-Finnish European, 0.00076%; no homozygotes.

Submission:

Labcorp Genetics (formerly Invitae), Labcorp
Classification: Uncertain significance for Aicardi-Goutieres syndrome 5. Last evaluated: 2023-08-30. Review status: criteria provided, single submitter. Criteria: Invitae Variant Classification Sherloc (09022015). Collection method: clinical testing. Allele origin: germline.
Comment: In summary, the available evidence is currently insufficient to determine the role of this variant in disease. Therefore, it has been classified as a Variant of Uncertain Significance. An algorithm developed to predict the effect of missense changes on protein structure and function (PolyPhen-2) suggests that this variant¬†is likely to be tolerated. ClinVar contains an entry for this variant (Variation ID: 1378732). This variant has not been reported in the literature in individuals affected with SAMHD1-related conditions. This variant is not present in population databases (gnomAD no frequency). This sequence change replaces aspartic acid, which is acidic and polar, with tyrosine, which is neutral and polar, at codon 16 of the SAMHD1 protein (p.Asp16Tyr).

NM_015474.4(SAMHD1):c.46G>T (p.Asp16Tyr)

Gene: SAMHD1 (SAM and HD domain containing deoxynucleoside triphosphate triphosphohydrolase 1; minus strand). Cytogenetic location: 20q11.23.
Variant type: single nucleotide variant.
Coding change: c.46G>T on transcript NM_015474.4 (MANE Select); coding-DNA position 46, G replaced by T.
Protein change: p.Asp16Tyr; replaces aspartic acid 16 with tyrosine.
Molecular consequence: missense variant.
Genome position (GRCh38, 1-based): chr20:36,951,598, C>A on the plus strand (G>T on the coding strand, the complement: SAMHD1 is on the minus strand). VCF-style: chr20-36951598-C-A. GRCh37 (hg19) VCF-style: chr20-35580001-C-A.
Other names: c.46G>T, p.Asp16Tyr (NM_001363729.2, NM_001363733.2); short protein forms D16Y.
Identifiers: ClinVar variation 1378732 (VCV001378732.7), dbSNP rs200703816, ClinGen allele CA408833673.